The following is an entry in ClinVar:

NM_016219.5(MAN1B1):c.459G>A (p.Ser153=)

Gene: MAN1B1 (mannosidase alpha class 1B member 1; plus strand). Cytogenetic location: 9q34.3.
Variant type: single nucleotide variant.
Coding change: c.459G>A on transcript NM_016219.5 (MANE Select); coding-DNA position 459, G replaced by A.
Protein change: p.Ser153=; no amino-acid change (serine 153 retained).
Molecular consequence: synonymous variant. On other transcripts: non-coding transcript variant (2).
Genome position (GRCh38, 1-based): chr9:137,088,999, G>A. VCF-style: chr9-137088999-G-A. GRCh37 (hg19) VCF-style: chr9-139983451-G-A.
Identifiers: ClinVar variation 365947 (VCV000365947.33), dbSNP rs140105878, ClinGen allele CA5358636.

ClinVar aggregate classification (germline): Benign/Likely benign. Review status: criteria provided, multiple submitters, no conflicts (2 of 4 stars). 5 submissions from 5 submitters: Benign (3); Likely benign (2). Last evaluated 2025-12-16.

Conditions:
Inborn genetic diseases. Identifiers: MedGen C0950123, MeSH D030342.
Rafiq syndrome (RAFQS). Identifiers: Orphanet 88616, MedGen C3280127, MONDO:0013624, OMIM 614202.

Allele frequency attached by ClinVar (database versions not stated): gnomAD exomes 0.00038 and 0.00112; ExAC 0.00146; gnomAD 0.00419 and 0.00457; 1000 Genomes Project 0.00439; TOPMed 0.00451; 1000 Genomes Project 30x 0.00515; ESP Exome Variant Server 0.00554.
gnomAD v4.1: 1,215 of 1,613,952 alleles (0.075%); highest among the groups gnomAD compares: African/African-American, 1.4%; 10 homozygotes.

Submissions (5):

Labcorp Genetics (formerly Invitae), Labcorp
Classification: Benign for Rafiq syndrome. Last evaluated: 2025-12-16. Review status: criteria provided, single submitter. Criteria: Invitae Variant Classification Sherloc (09022015). Collection method: clinical testing. Allele origin: germline.

Blueprint Genetics
Classification: Likely benign. Last evaluated: 2024-10-16. Review status: criteria provided, single submitter. Criteria: ACMG Guidelines, 2015. Collection method: clinical testing. Allele origin: germline.

CeGaT Center for Human Genetics Tuebingen
Classification: Benign. Last evaluated: 2024-07-01. Review status: criteria provided, single submitter. Criteria: CeGaT Center For Human Genetics Tuebingen Variant Classification Criteria Version 2. Collection method: clinical testing. Allele origin: germline. Affected: yes. Observed: 1 variant allele.
Comment: MAN1B1: BP4, BP7, BS1, BS2

Illumina Laboratory Services, Illumina
Classification: Benign for Rafiq syndrome. Last evaluated: 2018-01-12. Review status: criteria provided, single submitter. Criteria: ICSL Variant Classification Criteria 13 December 2019. Collection method: clinical testing. Allele origin: germline.
Comment: This variant was observed in the ICSL laboratory as part of a predisposition screen in an ostensibly healthy population. It had not been previously curated by ICSL or reported in the Human Gene Mutation Database (HGMD: prior to June 1st, 2018), and was therefore a candidate for classification through an automated scoring system. Utilizing variant allele frequency, disease prevalence and penetrance estimates, and inheritance mode, an automated score was calculated to assess if this variant is too frequent to cause the disease. Based on the score and internal cut-off values, a variant classified as benign is not then subjected to further curation. The score for this variant resulted in a classification of benign for this disease.

Ambry Genetics
Classification: Likely benign for Inborn genetic diseases. Last evaluated: 2017-11-02. Review status: criteria provided, single submitter. Criteria: Ambry Variant Classification Scheme 2023. Collection method: clinical testing. Allele origin: germline.